The following is an entry in ClinVar:

NM_001127649.3(PEX26):c.130C>T (p.Leu44Phe)

Gene: PEX26 (peroxisomal biogenesis factor 26; plus strand). Cytogenetic location: 22q11.21.
Variant type: single nucleotide variant.
Coding change: c.130C>T on transcript NM_001127649.3 (MANE Select); coding-DNA position 130, C replaced by T.
Protein change: p.Leu44Phe; replaces leucine 44 with phenylalanine.
Molecular consequence: missense variant.
Genome position (GRCh38, 1-based): chr22:18,078,506, C>T. VCF-style: chr22-18078506-C-T. GRCh37 (hg19) VCF-style: chr22-18561272-C-T.
Other names: c.130C>T, p.Leu44Phe (NM_001199319.2, NM_017929.6); short protein forms L44F.
Identifiers: ClinVar variation 195337 (VCV000195337.25), dbSNP rs150895887, ClinGen allele CA201672.

ClinVar aggregate classification (germline): Conflicting classifications of pathogenicity. Review status: criteria provided, conflicting classifications (1 of 4 stars). 7 submissions from 7 submitters: Uncertain significance (1); Benign (2); Likely benign (4). Last evaluated 2026-02-03.

Conditions:
Peroxisome biogenesis disorder 7A (Zellweger). Also called: Peroxisome biogenesis disorder 7A. Identifiers: Orphanet 912, MedGen C3888385, MONDO:0013938, OMIM 614872.
Peroxisome biogenesis disorder 7B (PBD7B). Identifiers: Orphanet 44, MedGen C3553951, MONDO:0013939, OMIM 614873.

Allele frequency attached by ClinVar (database versions not stated): gnomAD exomes 0.00157 and 0.00300; 1000 Genomes Project 30x 0.00656; ESP Exome Variant Server 0.00320; ExAC 0.00304; 1000 Genomes Project 0.00539; gnomAD 0.00647 and 0.00683; TOPMed 0.00744.
gnomAD v4.1: 3,362 of 1,571,354 alleles (0.21%); highest among the groups gnomAD compares: African/African-American, 1.6%; 17 homozygotes.

Submissions (7):

Labcorp Genetics (formerly Invitae), Labcorp
Classification: Benign for Peroxisome biogenesis disorder 7A (Zellweger); Peroxisome biogenesis disorder 7B. Last evaluated: 2026-02-03. Review status: criteria provided, single submitter. Criteria: Invitae Variant Classification Sherloc (09022015). Collection method: clinical testing. Allele origin: germline.

ARUP Laboratories, Molecular Genetics and Genomics, ARUP Laboratories
Classification: Likely benign. Last evaluated: 2024-09-03. Review status: criteria provided, single submitter. Criteria: ARUP Molecular Germline Variant Investigation Process 2024. Collection method: clinical testing. Allele origin: germline.

Elsea Laboratory, Baylor College of Medicine
Classification: Uncertain significance for Peroxisome biogenesis disorder 7A (Zellweger); Peroxisome biogenesis disorder 7B. Last evaluated: 2020-04-01. Review status: criteria provided, single submitter. Criteria: ACMG Guidelines, 2015. Collection method: clinical testing. Allele origin: germline. Affected: no.

GeneDx
Classification: Likely benign. Last evaluated: 2019-08-23. Review status: criteria provided, single submitter. Criteria: GeneDx Variant Classification Process June 2021. Collection method: clinical testing. Allele origin: germline. Affected: yes.
Comment: See Variant Classification Assertion Criteria.

Illumina Laboratory Services, Illumina
Classification: Likely benign for Peroxisome biogenesis disorder 7A (Zellweger). Last evaluated: 2018-01-13. Review status: criteria provided, single submitter. Criteria: ICSL Variant Classification Criteria 13 December 2019. Collection method: clinical testing. Allele origin: germline.
Comment: This variant was observed in the ICSL laboratory as part of a predisposition screen in an ostensibly healthy population. It had not been previously curated by ICSL or reported in the Human Gene Mutation Database (HGMD: prior to June 1st, 2018), and was therefore a candidate for classification through an automated scoring system. Utilizing variant allele frequency, disease prevalence and penetrance estimates, and inheritance mode, an automated score was calculated to assess if this variant is too frequent to cause the disease. Based on the score and internal cut-off values, a variant classified as likely benign is not then subjected to further curation. The score for this variant resulted in a classification of likely benign for this disease.

Center for Pediatric Genomic Medicine, Children's Mercy Hospital and Clinics
Classification: Likely benign. Last evaluated: 2015-09-29. Review status: criteria provided, single submitter. Criteria: ACMG Guidelines, 2015. Collection method: clinical testing. Allele origin: germline.
ClinVar note: Converted during submission from Likely Benign to Likely benign.

Eurofins Ntd Llc (ga)
Classification: Benign. Last evaluated: 2015-02-04. Review status: criteria provided, single submitter. Criteria: EGL Classification Definitions 2015. Collection method: clinical testing. Allele origin: germline. Observed: 3 variant alleles, 3 heterozygotes.